The following is an entry in ClinVar:

NM_001853.4(COL9A3):c.2010C>T (p.Ala670=)

Gene: COL9A3 (collagen type IX alpha 3 chain; plus strand). Cytogenetic location: 20q13.33.
Variant type: single nucleotide variant.
Coding change: c.2010C>T on transcript NM_001853.4 (MANE Select); coding-DNA position 2010, C replaced by T.
Protein change: p.Ala670=; no amino-acid change (alanine 670 retained).
Molecular consequence: synonymous variant.
Genome position (GRCh38, 1-based): chr20:62,840,687, C>T. VCF-style: chr20-62840687-C-T. GRCh37 (hg19) VCF-style: chr20-61472039-C-T.
Other names: c.2010C>T, p.Ala670= (LRG_1253t1).
Identifiers: ClinVar variation 339310 (VCV000339310.25), dbSNP rs34911725, ClinGen allele CA9950288.

ClinVar aggregate classification (germline): Benign/Likely benign. Review status: criteria provided, multiple submitters, no conflicts (2 of 4 stars). 6 submissions from 6 submitters: Benign (3); Likely benign (3). Last evaluated 2026-02-01.

Conditions:
Epiphyseal dysplasia, multiple, 3 (EDM3). Also called: Epiphyseal dysplasia, multiple, 3, with or without myopathy; COL9A3-Related Multiple Epiphyseal Dysplasia. Identifiers: MedGen C1832998, MONDO:0010964, OMIM 600969.
Intervertebral disc disorder (IDD). Also called: INTERVERTEBRAL DISC DISEASE; Lumbar disk degenerative disorder. Identifiers: MedGen C0158252, MONDO:0044339, OMIM 603932.

Allele frequency attached by ClinVar (database versions not stated): gnomAD exomes 0.00061 and 0.00123; ExAC 0.00221; gnomAD 0.00384 and 0.00408; TOPMed 0.00430; ESP Exome Variant Server 0.00469; 1000 Genomes Project 30x 0.00625; 1000 Genomes Project 0.00639.
gnomAD v4.1: 1,503 of 1,600,346 alleles (0.094%); highest among the groups gnomAD compares: African/African-American, 1.2%; 10 homozygotes.

Submissions (6):

Labcorp Genetics (formerly Invitae), Labcorp
Classification: Benign. Last evaluated: 2026-02-01. Review status: criteria provided, single submitter. Criteria: Invitae Variant Classification Sherloc (09022015). Collection method: clinical testing. Allele origin: germline.

CeGaT Center for Human Genetics Tuebingen
Classification: Likely benign. Last evaluated: 2025-12-01. Review status: criteria provided, single submitter. Criteria: CeGaT Center For Human Genetics Tuebingen Variant Classification Criteria Version 2. Collection method: clinical testing. Allele origin: germline. Affected: yes. Observed: 2 variant alleles.
Comment: COL9A3: BP4, BP7, BS1

Blueprint Genetics
Classification: Likely benign. Last evaluated: 2024-11-28. Review status: criteria provided, single submitter. Criteria: ACMG Guidelines, 2015. Collection method: clinical testing. Allele origin: germline.

Fulgent Genetics
Classification: Likely benign for Epiphyseal dysplasia, multiple, 3; Intervertebral disc disorder. Last evaluated: 2021-10-13. Review status: criteria provided, single submitter. Criteria: ACMG Guidelines, 2015. Collection method: clinical testing. Allele origin: unknown.

GeneDx
Classification: Benign. Last evaluated: 2020-02-19. Review status: criteria provided, single submitter. Criteria: GeneDx Variant Classification Process June 2021. Collection method: clinical testing. Allele origin: germline. Affected: yes.

Breakthrough Genomics
Classification: Benign. Review status: criteria provided, single submitter. Criteria: ACMG Guidelines, 2015. Collection method: not provided. Allele origin: germline. Inheritance: Autosomal recessive inheritance. Affected: yes.